The following is an entry in ClinVar:

ClinVar aggregate classification (germline): Uncertain significance (1 of 4 stars; one submission).

Submission:

GeneDx
Classification: Uncertain significance. Last evaluated: 2022-11-08. Review status: criteria provided, single submitter. Criteria: GeneDx Variant Classification Process June 2021. Collection method: clinical testing. Allele origin: germline. Affected: yes.
Comment: Not observed at significant frequency in large population cohorts (gnomAD); In silico analysis supports that this missense variant has a deleterious effect on protein structure/function; Has not been previously published as pathogenic or benign to our knowledge

NM_000143.4(FH):c.538C>T (p.His180Tyr)

Gene: FH (fumarate hydratase; minus strand). Cytogenetic location: 1q43.
Variant type: single nucleotide variant.
Coding change: c.538C>T on transcript NM_000143.4 (MANE Select); coding-DNA position 538, C replaced by T.
Protein change: p.His180Tyr; replaces histidine 180 with tyrosine.
Molecular consequence: missense variant.
Genome position (GRCh38, 1-based): chr1:241,511,984, G>A on the plus strand (C>T on the coding strand, the complement: FH is on the minus strand). VCF-style: chr1-241511984-G-A. GRCh37 (hg19) VCF-style: chr1-241675284-G-A.
Other names: short protein forms H180Y.
Identifiers: ClinVar variation 2501332 (VCV002501332.1), dbSNP rs2527332441, ClinGen allele CA345439877.